The following is an entry in ClinVar:

NM_005529.7(HSPG2):c.11713G>A (p.Gly3905Ser)

Gene: HSPG2 (heparan sulfate proteoglycan 2; minus strand). Cytogenetic location: 1p36.12.
Variant type: single nucleotide variant.
Coding change: c.11713G>A on transcript NM_005529.7 (MANE Select); coding-DNA position 11713, G replaced by A.
Protein change: p.Gly3905Ser; replaces glycine 3905 with serine.
Molecular consequence: missense variant.
Genome position (GRCh38, 1-based): chr1:21,830,050, C>T on the plus strand (G>A on the coding strand, the complement: HSPG2 is on the minus strand). VCF-style: chr1-21830050-C-T. GRCh37 (hg19) VCF-style: chr1-22156543-C-T.
Other names: c.11716G>A, p.Gly3906Ser (NM_001291860.2); short protein forms G3905S, G3906S.
Identifiers: ClinVar variation 3571868 (VCV003571868.1).

ClinVar aggregate classification (germline): Uncertain significance (1 of 4 stars; one submission).

gnomAD v4.1: 8 of 1,604,570 alleles (0.0005%); highest among the groups gnomAD compares: Non-Finnish European, 0.00068%; no homozygotes.

Submission:

Athena Diagnostics
Classification: Uncertain significance. Last evaluated: 2024-10-29. Review status: criteria provided, single submitter. Criteria: Athena Diagnostics Criteria. Collection method: clinical testing. Allele origin: unknown.
Comment: Available data are insufficient to determine the clinical significance of the variant at this time. The frequency of this variant in the general population is uninformative in assessment of its pathogenicity. Polyphen and MutationTaster yielded discordant predictions regarding whether this amino acid change is damaging to the protein.